The following is an entry in ClinVar:

NM_018117.12(WDR11):c.388G>A (p.Asp130Asn)

Gene: WDR11 (WD repeat domain 11; plus strand). Cytogenetic location: 10q26.12.
Variant type: single nucleotide variant.
Coding change: c.388G>A on transcript NM_018117.12 (MANE Select); coding-DNA position 388, G replaced by A.
Protein change: p.Asp130Asn; replaces aspartic acid 130 with asparagine.
Molecular consequence: missense variant.
Genome position (GRCh38, 1-based): chr10:120,860,144, G>A. VCF-style: chr10-120860144-G-A. GRCh37 (hg19) VCF-style: chr10-122619656-G-A.
Other names: short protein forms D130N.
Identifiers: ClinVar variation 5018401 (VCV005018401.1).

ClinVar aggregate classification (germline): Uncertain significance (1 of 4 stars; one submission).

gnomAD v4.1: 13 of 1,613,950 alleles (0.00081%); highest among the groups gnomAD compares: East Asian, 0.0045%; no homozygotes.

Submission:

GeneDx
Classification: Uncertain significance. Last evaluated: 2026-04-10. Review status: criteria provided, single submitter. Criteria: GeneDx Variant Classification Process June 2021. Collection method: clinical testing. Allele origin: germline.
Comment: In silico analysis suggests that this missense variant does not alter protein structure/function; Has not been previously published as pathogenic or benign to our knowledge